The following is an entry in ClinVar:

NM_001177316.2(SLC34A3):c.362G>A (p.Gly121Glu)

Gene: SLC34A3 (solute carrier family 34 member 3; plus strand). Cytogenetic location: 9q34.3.
Variant type: single nucleotide variant.
Coding change: c.362G>A on transcript NM_001177316.2 (MANE Select); coding-DNA position 362, G replaced by A.
Protein change: p.Gly121Glu; replaces glycine 121 with glutamic acid.
Molecular consequence: missense variant.
Genome position (GRCh38, 1-based): chr9:137,232,841, G>A. VCF-style: chr9-137232841-G-A. GRCh37 (hg19) VCF-style: chr9-140127293-G-A.
Other names: c.362G>A, p.Gly121Glu (NM_001177317.2, NM_080877.3); short protein forms G121E.
Identifiers: ClinVar variation 4074277 (VCV004074277.1).

ClinVar aggregate classification (germline): Uncertain significance (1 of 4 stars; one submission).

Conditions:
Autosomal recessive hypophosphatemic bone disease (HHRH). Also called: HYPERCALCIURIC RICKETS; Hypophosphatemic rickets with hypercalciuria. Identifiers: Orphanet 157215, MedGen C1853271, MONDO:0009431, OMIM 241530.

gnomAD v4.1: 2 of 1,612,904 alleles (0.00012%); highest among the groups gnomAD compares: Admixed American, 0.0017%; no homozygotes.

Submission:

Rare Kidney Stone Consortium and the Mayo Clinic Hyperoxaluria Center, Mayo Clinic
Classification: Uncertain significance for Autosomal recessive hypophosphatemic bone disease. Last evaluated: 2025-05-01. Review status: criteria provided, single submitter. Criteria: ACMG Guidelines, 2015. Collection method: research. Allele origin: germline.
Comment: ACMG: PM2

heterozygote. Could be significant in family.

Literature cited by the submitters: PubMed 34805638.